The following is an entry in ClinVar:

ClinVar aggregate classification (germline): Uncertain significance (1 of 4 stars; one submission).

gnomAD v4.1: 2 of 1,605,002 alleles (0.00012%); highest among the groups gnomAD compares: Non-Finnish European, 0.00017%; no homozygotes.

Submission:

Labcorp Genetics (formerly Invitae), Labcorp
Classification: Uncertain significance. Last evaluated: 2025-11-03. Review status: criteria provided, single submitter. Criteria: Invitae Variant Classification Sherloc (09022015). Collection method: clinical testing. Allele origin: germline.
Comment: This sequence change replaces glutamic acid, which is acidic and polar, with lysine, which is basic and polar, at codon 299 of the TERF2IP protein (p.Glu299Lys). This variant is present in population databases (rs780020901, gnomAD 0.002%). This variant has not been reported in the literature in individuals affected with TERF2IP-related conditions. An algorithm developed to predict the effect of missense changes on protein structure and function (PolyPhen-2) suggests that this variant is likely to be disruptive. In summary, the available evidence is currently insufficient to determine the role of this variant in disease. Therefore, it has been classified as a Variant of Uncertain Significance.

NM_018975.4(TERF2IP):c.895G>A (p.Glu299Lys)

Gene: TERF2IP (TERF2 interacting protein; plus strand). Cytogenetic location: 16q23.1.
Variant type: single nucleotide variant.
Coding change: c.895G>A on transcript NM_018975.4 (MANE Select); coding-DNA position 895, G replaced by A.
Protein change: p.Glu299Lys; replaces glutamic acid 299 with lysine.
Molecular consequence: missense variant. On other transcripts: non-coding transcript variant (1).
Genome position (GRCh38, 1-based): chr16:75,656,306, G>A. VCF-style: chr16-75656306-G-A. GRCh37 (hg19) VCF-style: chr16-75690204-G-A.
Other names: short protein forms E299K.
Identifiers: ClinVar variation 4763071 (VCV004763071.1).